The following is an entry in ClinVar:

ClinVar aggregate classification (germline): Pathogenic (1 of 4 stars; one submission).

Conditions:
Charcot-Marie-Tooth disease axonal type 2S. Also called: CHARCOT-MARIE-TOOTH DISEASE, AXONAL, AUTOSOMAL RECESSIVE, TYPE 2S; CHARCOT-MARIE-TOOTH NEUROPATHY, TYPE 2S. Identifiers: Orphanet 443073, MedGen C4015349, MONDO:0014511, OMIM 616155.
Autosomal recessive distal spinal muscular atrophy 1. Also called: HMN VI; NEURONOPATHY, SEVERE INFANTILE AXONAL, WITH RESPIRATORY FAILURE; SEVERE INFANTILE AXONAL NEUROPATHY WITH RESPIRATORY FAILURE; SPINAL MUSCULAR ATROPHY, DIAPHRAGMATIC; Spinal muscular atrophy with respiratory distress 1; NEURONOPATHY, DISTAL HEREDITARY MOTOR, HARDING TYPE VI. Identifiers: Orphanet 98920, MedGen C1858517, MONDO:0011436, OMIM 604320.

Submission:

Labcorp Genetics (formerly Invitae), Labcorp
Classification: Pathogenic for Autosomal recessive distal spinal muscular atrophy 1; Charcot-Marie-Tooth disease axonal type 2S. Last evaluated: 2023-06-01. Review status: criteria provided, single submitter. Criteria: Invitae Variant Classification Sherloc (09022015). Collection method: clinical testing. Allele origin: germline.
Comment: For these reasons, this variant has been classified as Pathogenic. This variant disrupts a region of the IGHMBP2 protein in which other variant(s) (p.Arg971Glufs*4) have been determined to be pathogenic (PMID: 15269181, 25439726, 25568292, 26392352; Invitae). This suggests that this is a clinically significant region of the protein, and that variants that disrupt it are likely to be disease-causing. This variant has not been reported in the literature in individuals affected with IGHMBP2-related conditions. This variant is not present in population databases (gnomAD no frequency). This sequence change creates a premature translational stop signal (p.Pro963Glyfs*14) in the IGHMBP2 gene. While this is not anticipated to result in nonsense mediated decay, it is expected to disrupt the last 31 amino acid(s) of the IGHMBP2 protein.

Literature cited by the submitters: PubMed 15269181; PubMed 25439726; PubMed 25568292; PubMed 26392352.

NM_002180.3(IGHMBP2):c.2882_2885dup (p.Pro963fs)

Gene: IGHMBP2 (immunoglobulin mu DNA binding protein 2; plus strand). Cytogenetic location: 11q13.3.
Variant type: Duplication.
Coding change: c.2882_2885dup on transcript NM_002180.3 (MANE Select); coding-DNA positions 2882 to 2885, 4 bases duplicated (TGGA; older notation c.2882_2885dupTGGA).
Protein change: p.Pro963fs; shifts the reading frame from proline 963.
Molecular consequence: frameshift variant.
Genome position (GRCh38, 1-based): chr11:68,939,631-68,939,634, TGGA duplicated. VCF-style (leftmost placement, unchanged base first): chr11-68939630-C-CTGGA. GRCh37 (hg19) VCF-style: chr11-68707098-C-CTGGA.
Other names: short protein forms P963fs.
Identifiers: ClinVar variation 2947472 (VCV002947472.3), dbSNP rs2496086694, ClinGen allele CA2740093122.